The following is an entry in ClinVar:

ClinVar aggregate classification (germline): Pathogenic (1 of 4 stars; one submission).

Submission:

Labcorp Genetics (formerly Invitae), Labcorp
Classification: Pathogenic. Last evaluated: 2025-05-04. Review status: criteria provided, single submitter. Criteria: Invitae Variant Classification Sherloc (09022015). Collection method: clinical testing. Allele origin: germline.
Comment: This sequence change creates a premature translational stop signal (p.Leu92Phefs*27) in the FCHO1 gene. It is expected to result in an absent or disrupted protein product. Loss-of-function variants in FCHO1 are known to be pathogenic (PMID: 30822429). This variant is not present in population databases (gnomAD no frequency). This variant has not been reported in the literature in individuals affected with FCHO1-related conditions. For these reasons, this variant has been classified as Pathogenic.

Literature cited by the submitters: PubMed 30822429.

NM_015122.3(FCHO1):c.276del (p.Leu92fs)

Gene: FCHO1 (FCH and mu domain containing endocytic adaptor 1; plus strand). Cytogenetic location: 19p13.11.
Variant type: Deletion.
Coding change: c.276del on transcript NM_015122.3 (MANE Select); coding-DNA position 276, one base deleted (A; older notation c.276delA).
Protein change: p.Leu92fs; shifts the reading frame from leucine 92.
Molecular consequence: frameshift variant. On other transcripts: non-coding transcript variant (34).
Genome position (GRCh38, 1-based): chr19:17,766,750, A deleted. VCF-style (leftmost placement, unchanged base first): chr19-17766749-TA-T. GRCh37 (hg19) VCF-style: chr19-17877558-TA-T.
Other names: c.276del, p.Leu92fs (NM_001161357.2, NM_001161358.2, NM_001384370.1 and 29 more transcripts); c.126del, p.Leu42fs (NM_001161359.2, NM_001384384.1, NM_001384385.1 and 3 more transcripts); c.201del, p.Leu67fs (NM_001384390.1); short protein forms L42fs, L92fs, L67fs.
Identifiers: ClinVar variation 4718541 (VCV004718541.1).
Genomic context (GRCh38, chr19:17,766,749, plus strand): 5'-AGGTCTTCCGCGTCTCCTCGGACAAGCTGGCGCTGTGCCACCTGGAACTGACACGGAAGT[TA>T]CAGGATCTCATCAAGGACGTTCTCCGCTACGGCGAGGAACAGCTCAAGACCCACAAGAAG-3'